The following is an entry in ClinVar:

ClinVar aggregate classification (germline): Likely benign (0 of 4 stars; one submission).

Conditions:
BRWD1-related disorder. Also called: BRWD1-related condition.

Allele frequency attached by ClinVar (database versions not stated): 1000 Genomes Project 0.00020; 1000 Genomes Project 30x 0.00031; gnomAD 0.00173; TOPMed 0.00173; ESP Exome Variant Server 0.00177; ExAC 0.00217; gnomAD exomes 0.00240.
gnomAD v4.1: 3,662 of 1,584,086 alleles (0.23%); highest among the groups gnomAD compares: Non-Finnish European, 0.29%; 10 homozygotes.

Submission:

PreventionGenetics, part of Exact Sciences
Classification: Likely benign for BRWD1-related condition. Last evaluated: 2019-08-26. Review status: no assertion criteria provided. Collection method: clinical testing. Allele origin: germline.
Comment: This variant is classified as likely benign based on ACMG/AMP sequence variant interpretation guidelines (Richards et al. 2015 PMID: 25741868, with internal and published modifications).

NM_033656.4(BRWD1):c.1104+9C>T

Gene: BRWD1 (bromodomain and WD repeat domain containing 1; minus strand). Cytogenetic location: 21q22.2.
Variant type: single nucleotide variant.
Coding change: c.1104+9C>T on transcript NM_033656.4 (MANE Select); 9 bases into the intron after coding-DNA position 1104, C replaced by T.
Molecular consequence: intron variant.
Genome position (GRCh38, 1-based): chr21:39,277,242, G>A on the plus strand (C>T on the coding strand, the complement: BRWD1 is on the minus strand). VCF-style: chr21-39277242-G-A. GRCh37 (hg19) VCF-style: chr21-40649168-G-A.
Other names: c.1104+9C>T (NM_018963.5).
Identifiers: ClinVar variation 3033837 (VCV003033837.2), dbSNP rs73209844, ClinGen allele CA10027574.